The following is an entry in ClinVar:

NM_012259.3(HEY2):c.885A>G (p.Ala295=)

Gene: HEY2 (hes related family bHLH transcription factor with YRPW motif 2; plus strand). Cytogenetic location: 6q22.31.
Variant type: single nucleotide variant.
Coding change: c.885A>G on transcript NM_012259.3 (MANE Select); coding-DNA position 885, A replaced by G.
Protein change: p.Ala295=; no amino-acid change (alanine 295 retained).
Molecular consequence: synonymous variant.
Genome position (GRCh38, 1-based): chr6:125,759,673, A>G. VCF-style: chr6-125759673-A-G. GRCh37 (hg19) VCF-style: chr6-126080819-A-G.
Identifiers: ClinVar variation 5041360 (VCV005041360.1).
Genomic context (GRCh38, chr6:125,759,673, plus strand): 5'-ACACAGCTTCCCTCTGTCCTTCGCGGGGGCATTCCCCATGCTTCCCCCAAACGCAGCAGC[A>G]GCAGTGGCCGCGGCCACAGCCATCAGCCCGCCCTTGTCAGTATCAGCCACGTCCAGTCCT-3'
Protein context (NP_036391.1, residues 285-305): AFPMLPPNAA[Ala295=]AVAAATAISP

ClinVar aggregate classification (germline): Likely benign (1 of 4 stars; one submission).

Submission:

CeGaT Center for Human Genetics Tuebingen
Classification: Likely benign. Last evaluated: 2026-09-01. Review status: criteria provided, single submitter. Criteria: CeGaT Center For Human Genetics Tuebingen Variant Classification Criteria Version 2. Collection method: clinical testing. Allele origin: germline. Affected: yes. Observed: 1 variant allele.
Comment: HEY2: BP4, BP7